The following is an entry in ClinVar:

NM_000551.4(VHL):c.311G>C (p.Gly104Ala)

Gene: VHL (von Hippel-Lindau tumor suppressor; plus strand). Cytogenetic location: 3p25.3.
Variant type: single nucleotide variant.
Coding change: c.311G>C on transcript NM_000551.4 (MANE Select); coding-DNA position 311, G replaced by C.
Protein change: p.Gly104Ala; replaces glycine 104 with alanine.
Molecular consequence: missense variant.
Genome position (GRCh38, 1-based): chr3:10,142,158, G>C. VCF-style: chr3-10142158-G-C. GRCh37 (hg19) VCF-style: chr3-10183842-G-C.
Other names: c.311G>C, p.Gly104Ala (NM_001354723.2, NM_198156.3); short protein forms G104A.
Identifiers: ClinVar variation 411966 (VCV000411966.11), dbSNP rs869025630, ClinGen allele CA16611067.

ClinVar aggregate classification (germline): Uncertain significance (1 of 4 stars; one submission).

Conditions:
Von Hippel-Lindau syndrome (VHLS). Also called: Von Hippel-Lindau; VHL syndrome; von Hippel–Lindau syndrome. Identifiers: Orphanet 892, MedGen C0019562, MONDO:0008667, OMIM 193300. Disease mechanism: loss of function.
Chuvash polycythemia. Also called: POLYCYTHEMIA, VHL-DEPENDENT. Identifiers: Orphanet 238557, MedGen C1837915, MONDO:0009892, OMIM 263400.

Submission:

Labcorp Genetics (formerly Invitae), Labcorp
Classification: Uncertain significance for Von Hippel-Lindau syndrome; Chuvash polycythemia. Last evaluated: 2019-04-09. Review status: criteria provided, single submitter. Criteria: Invitae Variant Classification Sherloc (09022015). Collection method: clinical testing. Allele origin: germline.
Comment: In summary, the available evidence is currently insufficient to determine the role of this variant in disease. Therefore, it has been classified as a Variant of Uncertain Significance. Algorithms developed to predict the effect of missense changes on protein structure and function (SIFT, PolyPhen-2, Align-GVGD) all suggest that this variant is likely to be tolerated, but these predictions have not been confirmed by published functional studies. This variant has been reported in the literature in individuals with retinal hemangioblastoma (PMID: 9829912, 12202531). This variant is not present in population databases (ExAC no frequency). This sequence change replaces glycine with alanine at codon 104 of the VHL protein (p.Gly104Ala). The glycine residue is moderately conserved and there is a small physicochemical difference between glycine and alanine.

Literature cited by the submitters: PubMed 9829912; PubMed 12202531.